The following is an entry in ClinVar:

ClinVar aggregate classification (germline): Conflicting classifications of pathogenicity. Review status: criteria provided, conflicting classifications (1 of 4 stars). 4 submissions from 4 submitters: Uncertain significance (3); Likely benign (1). Last evaluated 2026-01-02.

Allele frequency attached by ClinVar (database versions not stated): 1000 Genomes Project 0.00020; 1000 Genomes Project 30x 0.00047; gnomAD exomes 0.00061; ExAC 0.00062; TOPMed 0.00071; gnomAD 0.00074 and 0.00075; ESP Exome Variant Server 0.00131.
gnomAD v4.1: 1,461 of 1,613,982 alleles (0.091%); highest among the groups gnomAD compares: Middle Eastern, 0.18%; 2 homozygotes.

Submissions (4):

Labcorp Genetics (formerly Invitae), Labcorp
Classification: Uncertain significance. Last evaluated: 2026-01-02. Review status: criteria provided, single submitter. Criteria: Invitae Variant Classification Sherloc (09022015). Collection method: clinical testing. Allele origin: germline.
Comment: This sequence change replaces serine, which is neutral and polar, with cysteine, which is neutral and slightly polar, at codon 673 of the APPL1 protein (p.Ser673Cys). This variant is present in population databases (rs138485817, gnomAD 0.1%), and has an allele count higher than expected for a pathogenic variant. This missense change has been observed in individual(s) with maturity onset diabetes of the young (PMID: 26075876). ClinVar contains an entry for this variant (Variation ID: 1336471). An algorithm developed to predict the effect of missense changes on protein structure and function (PolyPhen-2) suggests that this variant is likely to be disruptive. In summary, the available evidence is currently insufficient to determine the role of this variant in disease. Therefore, it has been classified as a Variant of Uncertain Significance.

Women's Health and Genetics/Laboratory Corporation of America, LabCorp
Classification: Likely benign. Last evaluated: 2024-05-20. Review status: criteria provided, single submitter. Criteria: LabCorp Variant Classification Summary - May 2015. Collection method: clinical testing. Allele origin: germline.
Comment: Variant summary: APPL1 c.2018C>G (p.Ser673Cys) results in a non-conservative amino acid change in the encoded protein sequence. Three of five in-silico tools predict a damaging effect of the variant on protein function. The variant allele was found at a frequency of 0.00061 in 251212 control chromosomes, predominantly at a frequency of 0.0011 within the Non-Finnish European subpopulation in the gnomAD database, including 1 homozygote, strongly suggesting that the variant is a benign polymorphism found primarily in populations of Non-Finnish European origin. c.2018C>G has been reported in the literature in individuals affected with a clinical phenotype of neuronal ceroid lipofuscinosis (NCL), a genetically heterogeneous subtype of LSD (Di Fruscio_2015). The report does not provide unequivocal conclusions about association of the variant with Maturity-Onset Diabetes Of The Young Type 14. To our knowledge, no experimental evidence demonstrating an impact on protein function has been reported. The following publications have been ascertained in the context of this evaluation (PMID: 26075876, 32854233). ClinVar contains an entry for this variant (Variation ID: 1336471). Based on the evidence outlined above, the variant was classified as likely benign.

Genetic Services Laboratory, University of Chicago
Classification: Uncertain significance. Last evaluated: 2019-03-18. Review status: criteria provided, single submitter. Criteria: ACMG Guidelines, 2015. Collection method: clinical testing. Allele origin: germline. Affected: no.

Breakthrough Genomics
Classification: Uncertain significance. Review status: criteria provided, single submitter. Criteria: ACMG Guidelines, 2015. Collection method: not provided. Allele origin: germline. Inheritance: Autosomal dominant inheritance. Affected: yes.

Literature cited by the submitters: PubMed 26075876 (cited by Labcorp Genetics (formerly Invitae), Labcorp and Women's Health and Genetics/Laboratory Corporation of America, LabCorp); PubMed 32854233 (cited by Women's Health and Genetics/Laboratory Corporation of America, LabCorp).

NM_012096.3(APPL1):c.2018C>G (p.Ser673Cys)

Genes: APPL1 (adaptor protein, phosphotyrosine interacting with PH domain and leucine zipper 1; plus strand), ASB14 (ankyrin repeat and SOCS box containing 14; minus strand), LOC105377102 (uncharacterized LOC105377102; plus strand). Cytogenetic location: 3p14.3.
Variant type: single nucleotide variant.
Coding change: c.2018C>G on transcript NM_012096.3 (MANE Select); coding-DNA position 2018, C replaced by G.
Protein change: p.Ser673Cys; replaces serine 673 with cysteine.
Molecular consequence: missense variant. On other transcripts: non-coding transcript variant (1), 3 prime UTR variant (2).
Genome position (GRCh38, 1-based): chr3:57,269,575, C>G. VCF-style: chr3-57269575-C-G. GRCh37 (hg19) VCF-style: chr3-57303603-C-G.
Other names: c.*66G>C (NM_001142733.3, NM_130387.5); short protein forms S673C.
Identifiers: ClinVar variation 1336471 (VCV001336471.11), dbSNP rs138485817, ClinGen allele CA2464019.
Genomic context (GRCh38, chr3:57,269,575, plus strand): 5'-AGTTTCTTTTTTGTCTTTTCCACTAGGACTTGGAAGAACAAAGTCGGTTGATAGCTGCTT[C>G]CAGTAGACCAAACCAAGCCAGTAGTGAGGGGCAGTTTGTTGTCCTTAGCAGTAGCCAGTC-3'
Protein context (NP_036228.1, residues 663-683): LEEQSRLIAA[Ser673Cys]SRPNQASSEG